The following is an entry in ClinVar:

NM_001429.4(EP300):c.6406A>G (p.Met2136Val)

Gene: EP300 (EP300 lysine acetyltransferase; plus strand). Cytogenetic location: 22q13.2.
Variant type: single nucleotide variant.
Coding change: c.6406A>G on transcript NM_001429.4 (MANE Select); coding-DNA position 6406, A replaced by G.
Protein change: p.Met2136Val; replaces methionine 2136 with valine.
Molecular consequence: missense variant.
Genome position (GRCh38, 1-based): chr22:41,178,117, A>G. VCF-style: chr22-41178117-A-G. GRCh37 (hg19) VCF-style: chr22-41574121-A-G.
Other names: c.6328A>G, p.Met2110Val (NM_001362843.2); short protein forms M2110V, M2136V.
Identifiers: ClinVar variation 1209170 (VCV001209170.11), dbSNP rs372874467, ClinGen allele CA10253848.
Genomic context (GRCh38, chr22:41,178,117, plus strand): 5'-CCTACCATGCCAGGTCAGCAGGGGGTCCACTCCAATCCAGCCATGCAGAACATGAATCCA[A>G]TGCAGGCGGGCGTTCAGAGGGCTGGCCTGCCCCAGCAGCAACCACAGCAGCAACTCCAGC-3'
Protein context (NP_001420.2, residues 2126-2146): SNPAMQNMNP[Met2136Val]QAGVQRAGLP

ClinVar aggregate classification (germline): Likely benign. Review status: criteria provided, multiple submitters, no conflicts (2 of 4 stars). 3 submissions from 3 submitters: Likely benign (2). 1 of the submissions does not count toward it. Last evaluated 2025-12-31.

Conditions:
Rubinstein-Taybi syndrome due to EP300 haploinsufficiency. Also called: RUBINSTEIN-TAYBI SYNDROME 2; EP300-Related Rubinstein-Taybi Syndrome. Identifiers: Orphanet 353284, Orphanet 783, MedGen C3150941, MONDO:0013364, OMIM 613684.
EP300-related disorder. Also called: EP300-related disorders; EP300-related condition.

Allele frequency attached by ClinVar (database versions not stated): ExAC 0.00002; gnomAD exomes 0.00004 and 0.00007; gnomAD 0.00006 and 0.00007; TOPMed 0.00006.

Submissions (3):

Labcorp Genetics (formerly Invitae), Labcorp
Classification: Likely benign for Rubinstein-Taybi syndrome due to EP300 haploinsufficiency. Last evaluated: 2025-12-31. Review status: criteria provided, single submitter. Criteria: Invitae Variant Classification Sherloc (09022015). Collection method: clinical testing. Allele origin: germline.

GeneDx
Classification: Likely benign. Last evaluated: 2019-08-01. Review status: criteria provided, single submitter. Criteria: GeneDx Variant Classification Process June 2021. Collection method: clinical testing. Allele origin: germline. Affected: yes.

PreventionGenetics, part of Exact Sciences
Classification: Likely benign for EP300-related condition. Last evaluated: 2022-01-20. Review status: no assertion criteria provided. Collection method: clinical testing. Allele origin: germline. Not counted in ClinVar's aggregate classification.
Comment: This variant is classified as likely benign based on ACMG/AMP sequence variant interpretation guidelines (Richards et al. 2015 PMID: 25741868, with internal and published modifications).